The following is an entry in ClinVar:

NM_004364.5(CEBPA):c.187G>A (p.Asp63Asn)

Gene: CEBPA (CCAAT enhancer binding protein alpha; minus strand). Cytogenetic location: 19q13.11.
Variant type: single nucleotide variant.
Coding change: c.187G>A on transcript NM_004364.5 (MANE Select); coding-DNA position 187, G replaced by A.
Protein change: p.Asp63Asn; replaces aspartic acid 63 with asparagine.
Molecular consequence: missense variant. On other transcripts: 5 prime UTR variant (1).
Genome position (GRCh38, 1-based): chr19:33,302,228, C>T on the plus strand (G>A on the coding strand, the complement: CEBPA is on the minus strand). VCF-style: chr19-33302228-C-T. GRCh37 (hg19) VCF-style: chr19-33793134-C-T.
Other names: c.187G>A (NM_004364.3); c.-171G>A (NM_001285829.2); c.292G>A, p.Asp98Asn (NM_001287424.2); c.145G>A, p.Asp49Asn (NM_001287435.2); short protein forms D63N, D49N, D98N.
Identifiers: ClinVar variation 566817 (VCV000566817.10), dbSNP rs1452063514, ClinGen allele CA405275497.
Genomic context (GRCh38, chr19:33,302,228, plus strand): 5'-GGAACAGGTCGGCCAGGAACTCGTCGTTGAAGGCGGCCGGGTCGATGTAGGCGCTGATGT[C>T]GATGGACGTCTCGTGCTCGCAGATGCCGCCCAGCGGCTCCGGGGCGGCAGGTGGGGCGGG-3'
Protein context (NP_004355.2, residues 53-73): GGICEHETSI[Asp63Asn]ISAYIDPAAF

ClinVar aggregate classification (germline): Conflicting classifications of pathogenicity. Review status: criteria provided, conflicting classifications (1 of 4 stars). 2 submissions from 2 submitters: Uncertain significance (1); Likely benign (1). Last evaluated 2024-12-17.

Conditions:
Inborn genetic diseases. Identifiers: MedGen C0950123, MeSH D030342.
Acute myeloid leukemia (AML). Also called: Leukemia, acute myeloid, somatic; Leukemia, acute myelogenous, somatic; Acute myeloid leukemia, adult; AML adult; Acute non-lymphocytic leukemia; Acute granulocytic leukemia. Identifiers: Orphanet 519, MedGen C0023467, MeSH D015470, MONDO:0018874, OMIM 601626, HP:0004808. Disease mechanism: Constitutively activated FLT3.

Allele frequency attached by ClinVar (database versions not stated): gnomAD exomes below 0.00001; TOPMed below 0.00001; gnomAD 0.00001.
gnomAD v4.1: 8 of 1,495,900 alleles (0.00053%); highest among the groups gnomAD compares: Non-Finnish European, 0.00054%; no homozygotes.

Submissions (2):

Ambry Genetics
Classification: Likely benign for Inborn genetic diseases. Last evaluated: 2024-12-17. Review status: criteria provided, single submitter. Criteria: Ambry Variant Classification Scheme 2023. Collection method: clinical testing. Allele origin: germline.

Labcorp Genetics (formerly Invitae), Labcorp
Classification: Uncertain significance for Acute myeloid leukemia. Last evaluated: 2023-11-13. Review status: criteria provided, single submitter. Criteria: Invitae Variant Classification Sherloc (09022015). Collection method: clinical testing. Allele origin: germline.
Comment: This sequence change replaces aspartic acid, which is acidic and polar, with asparagine, which is neutral and polar, at codon 63 of the CEBPA protein (p.Asp63Asn). This variant is not present in population databases (gnomAD no frequency). This variant has not been reported in the literature in individuals affected with CEBPA-related conditions. ClinVar contains an entry for this variant (Variation ID: 566817). Advanced modeling of protein sequence and biophysical properties (such as structural, functional, and spatial information, amino acid conservation, physicochemical variation, residue mobility, and thermodynamic stability) performed at Invitae indicates that this missense variant is expected to disrupt CEBPA protein function with a positive predictive value of 80%. In summary, the available evidence is currently insufficient to determine the role of this variant in disease. Therefore, it has been classified as a Variant of Uncertain Significance.